The following is an entry in ClinVar:

ClinVar aggregate classification (germline): Conflicting classifications of pathogenicity. Review status: criteria provided, conflicting classifications (1 of 4 stars). 4 submissions from 4 submitters: Likely pathogenic (2); Uncertain significance (2). Last evaluated 2025-09-10.

Conditions:
Congenital myasthenic syndrome 20. Also called: Myasthenic syndrome, congenital, 20, presynaptic. Identifiers: MedGen C4310694, MONDO:0014939, OMIM 617143.
Neuronopathy, distal hereditary motor, type 7A. Also called: HARPER-YOUNG MYOPATHY; HMN VIIA; NEURONOPATHY, DISTAL HEREDITARY MOTOR, HARDING TYPE VIIA; NEUROPATHY, DISTAL HEREDITARY MOTOR, HARDING TYPE VIIA; Neuronopathy, distal hereditary motor, autosomal dominant 7; Neuronopathy, distal hereditary motor, type viia. Identifiers: Orphanet 139589, MedGen C1834703, MONDO:0008024, OMIM 158580.

Allele frequency attached by ClinVar (database versions not stated): gnomAD exomes below 0.00001; TOPMed 0.00001; gnomAD 0.00002.
gnomAD v4.1: 8 of 1,613,992 alleles (0.0005%); highest among the groups gnomAD compares: Admixed American, 0.0017%; no homozygotes.

Submissions (4):

Genomic Medicine Center of Excellence, King Faisal Specialist Hospital and Research Centre
Classification: Likely pathogenic for Congenital myasthenic syndrome 20. Last evaluated: 2025-09-10. Review status: criteria provided, single submitter. Criteria: ACMG Guidelines, 2015. Collection method: clinical testing. Allele origin: germline.

Dubai Health Genomic Medicine Center, Dubai Health
Classification: Likely pathogenic for Neuronopathy, distal hereditary motor, autosomal dominant 7. Last evaluated: 2024-10-04. Review status: criteria provided, single submitter. Criteria: ACMG Guidelines, 2015. Collection method: research. Allele origin: germline. Affected: yes.
Comment: PM3_Strong, PM2, PP3

Labcorp Genetics (formerly Invitae), Labcorp
Classification: Uncertain significance for Neuronopathy, distal hereditary motor, type 7A; Congenital myasthenic syndrome 20. Last evaluated: 2023-12-20. Review status: criteria provided, single submitter. Criteria: Invitae Variant Classification Sherloc (09022015). Collection method: clinical testing. Allele origin: germline.
Comment: This sequence change replaces arginine, which is basic and polar, with histidine, which is basic and polar, at codon 107 of the SLC5A7 protein (p.Arg107His). This variant is present in population databases (no rsID available, gnomAD 0.004%). This missense change has been observed in individual(s) with SLC5A7-related conditions (PMID: 33250374, 36703223). ClinVar contains an entry for this variant (Variation ID: 1810255). Advanced modeling of protein sequence and biophysical properties (such as structural, functional, and spatial information, amino acid conservation, physicochemical variation, residue mobility, and thermodynamic stability) has been performed at Invitae for this missense variant, however the output from this modeling did not meet the statistical confidence thresholds required to predict the impact of this variant on SLC5A7 protein function. In summary, the available evidence is currently insufficient to determine the role of this variant in disease. Therefore, it has been classified as a Variant of Uncertain Significance.

Oxford Medical Genetics Laboratories, Oxford University Hospitals NHS Foundation Trust
Classification: Uncertain significance for Congenital myasthenic syndrome 20. Last evaluated: 2023-03-23. Review status: criteria provided, single submitter. Criteria: ACMG Guidelines, 2015. Collection method: clinical testing. Allele origin: biparental. Affected: yes. Observed: 1 homozygote.

Literature cited by the submitters: PubMed 33250374 (cited by Labcorp Genetics (formerly Invitae), Labcorp and Oxford Medical Genetics Laboratories, Oxford University Hospitals NHS Foundation Trust); PubMed 36703223 (cited by Labcorp Genetics (formerly Invitae), Labcorp).

NM_021815.5(SLC5A7):c.320G>A (p.Arg107His)

Gene: SLC5A7 (solute carrier family 5 member 7; plus strand). Cytogenetic location: 2q12.3.
Variant type: single nucleotide variant.
Coding change: c.320G>A on transcript NM_021815.5 (MANE Select); coding-DNA position 320, G replaced by A.
Protein change: p.Arg107His; replaces arginine 107 with histidine.
Molecular consequence: missense variant. On other transcripts: 5 prime UTR variant (1).
Genome position (GRCh38, 1-based): chr2:107,992,999, G>A. VCF-style: chr2-107992999-G-A. GRCh37 (hg19) VCF-style: chr2-108609455-G-A.
Other names: c.320G>A, p.Arg107His (NM_001305005.3); c.5G>A, p.Arg2His (NM_001305006.3); c.-385G>A (NM_001305007.3); c.320G>A (NM_001305005.2); short protein forms R107H, R2H.
Identifiers: ClinVar variation 1810255 (VCV001810255.28), dbSNP rs961639912, ClinGen allele CA53409326.